The following is an entry in ClinVar:

NM_201384.3(PLEC):c.7201G>C (p.Glu2401Gln)

Gene: PLEC (plectin; minus strand). Cytogenetic location: 8q24.3.
Variant type: single nucleotide variant.
Coding change: c.7201G>C on transcript NM_201384.3 (MANE Select); coding-DNA position 7201, G replaced by C.
Protein change: p.Glu2401Gln; replaces glutamic acid 2401 with glutamine.
Molecular consequence: missense variant.
Genome position (GRCh38, 1-based): chr8:143,922,728, C>G on the plus strand (G>C on the coding strand, the complement: PLEC is on the minus strand). VCF-style: chr8-143922728-C-G. GRCh37 (hg19) VCF-style: chr8-144996896-C-G.
Other names: c.7282G>C, p.Glu2428Gln (NM_000445.5); c.7159G>C, p.Glu2387Gln (NM_201378.4); c.7135G>C, p.Glu2379Gln (NM_201379.3); c.7612G>C, p.Glu2538Gln (NM_201380.4); c.7105G>C, p.Glu2369Gln (NM_201381.3); c.7201G>C, p.Glu2401Gln (NM_201382.4); c.7213G>C, p.Glu2405Gln (NM_201383.3); short protein forms E2387Q, E2428Q, E2369Q, E2405Q, E2538Q, E2401Q, E2379Q.
Identifiers: ClinVar variation 1484692 (VCV001484692.9), dbSNP rs577001346, ClinGen allele CA4925731.

ClinVar aggregate classification (germline): Uncertain significance. Review status: criteria provided, multiple submitters, no conflicts (2 of 4 stars). 2 submissions from 2 submitters: Uncertain significance (2). Last evaluated 2024-10-29.

Conditions:
Epidermolysis bullosa simplex 5B, with muscular dystrophy (EBS5B). Also called: EPIDERMOLYSIS BULLOSA SIMPLEX AND LIMB-GIRDLE MUSCULAR DYSTROPHY; Epidermolysis bullosa simplex with muscular dystrophy. Identifiers: Orphanet 257, MedGen C2931072, MONDO:0009181, OMIM 226670.
Epidermolysis bullosa simplex 5C, with pyloric atresia (EBS5C). Also called: PLEC1-Related Epidermolysis Bullosa with Pyloric Atresia; PLEC-Related Epidermolysis Bullosa with Pyloric Atresia; Epidermolysis bullosa simplex with pyloric atresia. Identifiers: Orphanet 158684, MedGen C2677349, MONDO:0012807, OMIM 612138.
Epidermolysis bullosa simplex, Ogna type (EBS5A). Also called: Pidermolysis bullosa simplex 5A, Ogna type; EPIDERMOLYSIS BULLOSA SIMPLEX 5A, OGNA TYPE. Identifiers: Orphanet 79401, MedGen C0432317, MONDO:0007555, OMIM 131950.
Autosomal recessive limb-girdle muscular dystrophy type 2Q (LGMDR17). Also called: MUSCULAR DYSTROPHY, LIMB-GIRDLE, AUTOSOMAL RECESSIVE 17. Identifiers: Orphanet 254361, MedGen C3150989, MONDO:0013390, OMIM 613723.
Epidermolysis bullosa simplex with nail dystrophy (EBS5D). Identifiers: MedGen C4225309, MONDO:0014661, OMIM 616487.

Allele frequency attached by ClinVar (database versions not stated): gnomAD exomes 0.00001; ExAC 0.00002; 1000 Genomes Project 30x 0.00016; 1000 Genomes Project 0.00020.
gnomAD v4.1: 15 of 1,611,682 alleles (0.00093%); highest among the groups gnomAD compares: South Asian, 0.014%; no homozygotes.

Submissions (2):

Labcorp Genetics (formerly Invitae), Labcorp
Classification: Uncertain significance for Autosomal recessive limb-girdle muscular dystrophy type 2Q; Epidermolysis bullosa simplex, Ogna type; Epidermolysis bullosa simplex with nail dystrophy; Epidermolysis bullosa simplex 5C, with pyloric atresia; Epidermolysis bullosa simplex 5B, with muscular dystrophy. Last evaluated: 2024-10-29. Review status: criteria provided, single submitter. Criteria: Invitae Variant Classification Sherloc (09022015). Collection method: clinical testing. Allele origin: germline.
Comment: This sequence change replaces glutamic acid, which is acidic and polar, with glutamine, which is neutral and polar, at codon 2428 of the PLEC protein (p.Glu2428Gln). This variant is present in population databases (rs577001346, gnomAD 0.01%). This variant has not been reported in the literature in individuals affected with PLEC-related conditions. ClinVar contains an entry for this variant (Variation ID: 1484692). Invitae Evidence Modeling of protein sequence and biophysical properties (such as structural, functional, and spatial information, amino acid conservation, physicochemical variation, residue mobility, and thermodynamic stability) indicates that this missense variant is not expected to disrupt PLEC protein function with a negative predictive value of 80%. In summary, the available evidence is currently insufficient to determine the role of this variant in disease. Therefore, it has been classified as a Variant of Uncertain Significance.

Revvity Omics, Revvity
Classification: Uncertain significance. Last evaluated: 2023-12-07. Review status: criteria provided, single submitter. Criteria: ACMG Guidelines, 2015. Collection method: clinical testing. Allele origin: germline.